The following is an entry in ClinVar:

ClinVar aggregate classification (germline): Benign/Likely benign. Review status: criteria provided, multiple submitters, no conflicts (2 of 4 stars). 2 submissions from 2 submitters: Benign (1); Likely benign (1). Last evaluated 2024-02-28.

Conditions:
Bethlem myopathy 1A. Also called: MYOPATHY, BENIGN CONGENITAL, WITH CONTRACTURES; Bethlem myopathy 1; Bethlem Muscular Dystrophy. Identifiers: Orphanet 610, MedGen CN029274, MONDO:0024530, OMIM 158810.

Submissions (2):

Labcorp Genetics (formerly Invitae), Labcorp
Classification: Benign for Bethlem myopathy 1A. Last evaluated: 2024-02-28. Review status: criteria provided, single submitter. Criteria: Invitae Variant Classification Sherloc (09022015). Collection method: clinical testing. Allele origin: germline.

GeneDx
Classification: Likely benign. Last evaluated: 2017-11-28. Review status: criteria provided, single submitter. Criteria: GeneDx Variant Classification (06012015). Collection method: clinical testing. Allele origin: germline. Affected: yes.
Comment: This variant is considered likely benign or benign based on one or more of the following criteria: it is a conservative change, it occurs at a poorly conserved position in the protein, it is predicted to be benign by multiple in silico algorithms, and/or has population frequency not consistent with disease.

NM_001848.3(COL6A1):c.1119+19del

Gene: COL6A1 (collagen type VI alpha 1 chain; plus strand). Cytogenetic location: 21q22.3.
Variant type: Deletion.
Coding change: c.1119+19del on transcript NM_001848.3 (MANE Select); 19 bases into the intron after coding-DNA position 1119, one base deleted (C; older notation c.1119+19delC).
Molecular consequence: intron variant.
Genome position (GRCh38, 1-based): chr21:45,991,060, C deleted; the last of 4 consecutive C bases (chr21:45,991,057-45,991,060); deleting any one gives the same sequence. VCF-style (leftmost placement, unchanged base first): chr21-45991056-GC-G. GRCh37 (hg19) VCF-style: chr21-47410970-GC-G.
Other names: c.1119+19delC (NM_001848.2).
Identifiers: ClinVar variation 513714 (VCV000513714.3), dbSNP rs750949530, ClinGen allele CA10070093.